The following is an entry in ClinVar:

ClinVar aggregate classification (germline): Uncertain significance. Review status: criteria provided, multiple submitters, no conflicts (2 of 4 stars). 2 submissions from 2 submitters: Uncertain significance (2). Last evaluated 2025-09-23.

Conditions:
Wilms tumor 1 (WT1). Also called: Wilms tumor, somatic. Identifiers: Orphanet 654, MedGen CN033288, MONDO:0008679, OMIM 194070.
11p partial monosomy syndrome (WAGR). Also called: WAGR syndrome; WAGR Complex; CHROMOSOME 11p13 DELETION SYNDROME; WAGR Spectrum Disorder. Identifiers: Orphanet 893, MedGen C0206115, MONDO:0008681, OMIM 194072.
Frasier syndrome. Identifiers: Orphanet 347, MedGen C0950122, MeSH D052159, MONDO:0007635, OMIM 136680.
Drash syndrome (DDS). Also called: WILMS TUMOR AND PSEUDO- OR TRUE HERMAPHRODITISM; NEPHROPATHY, WILMS TUMOR, AND GENITAL ANOMALIES. Identifiers: Orphanet 220, MedGen C0950121, MONDO:0008682, OMIM 194080.
Inborn genetic diseases. Identifiers: MedGen C0950123, MeSH D030342.

Allele frequency attached by ClinVar (database versions not stated): gnomAD exomes below 0.00001.
gnomAD v4.1: 1 of 1,612,792 alleles (0.000062%); highest among the groups gnomAD compares: Non-Finnish European, 0.000085%; no homozygotes.

Submissions (2):

Ambry Genetics
Classification: Uncertain significance for Inborn genetic diseases. Last evaluated: 2025-09-23. Review status: criteria provided, single submitter. Criteria: Ambry Variant Classification Scheme 2023. Collection method: clinical testing. Allele origin: germline.
Comment: The p.Q192K variant (also known as c.574C>A), located in coding exon 1 of the WT1 gene, results from a C to A substitution at nucleotide position 574. The glutamine at codon 192 is replaced by lysine, an amino acid with similar properties. This amino acid position is conserved. In addition, the in silico prediction for this alteration is inconclusive. Based on the available evidence, the clinical significance of this variant remains unclear.

Labcorp Genetics (formerly Invitae), Labcorp
Classification: Uncertain significance for Wilms tumor 1; Drash syndrome; 11p partial monosomy syndrome; Frasier syndrome. Last evaluated: 2023-02-23. Review status: criteria provided, single submitter. Criteria: Invitae Variant Classification Sherloc (09022015). Collection method: clinical testing. Allele origin: germline.
Comment: In summary, the available evidence is currently insufficient to determine the role of this variant in disease. Therefore, it has been classified as a Variant of Uncertain Significance. Advanced modeling of protein sequence and biophysical properties (such as structural, functional, and spatial information, amino acid conservation, physicochemical variation, residue mobility, and thermodynamic stability) has been performed at Invitae for this missense variant, however the output from this modeling did not meet the statistical confidence thresholds required to predict the impact of this variant on WT1 protein function. ClinVar contains an entry for this variant (Variation ID: 1490137). This variant has not been reported in the literature in individuals affected with WT1-related conditions. This variant is not present in population databases (gnomAD no frequency). This sequence change replaces glutamine, which is neutral and polar, with lysine, which is basic and polar, at codon 192 of the WT1 protein (p.Gln192Lys).

NM_024426.6(WT1):c.589C>A (p.Gln197Lys)

Genes: WT1 (WT1 transcription factor; minus strand), LOC107982234 (WT1/WT1-AS bi-directional promoter region; plus strand). Cytogenetic location: 11p13.
Variant type: single nucleotide variant.
Coding change: c.589C>A on transcript NM_024426.6 (MANE Select); coding-DNA position 589, C replaced by A.
Protein change: p.Gln197Lys; replaces glutamine 197 with lysine.
Molecular consequence: missense variant. On other transcripts: non-coding transcript variant (1).
Genome position (GRCh38, 1-based): chr11:32,434,772, G>T on the plus strand (C>A on the coding strand, the complement: WT1 is on the minus strand). VCF-style: chr11-32434772-G-T. GRCh37 (hg19) VCF-style: chr11-32456318-G-T.
Other names: c.589C>A, p.Gln197Lys (NM_000378.6, NM_024424.5); c.574C>A (NM_024426.4); short protein forms Q197K.
Identifiers: ClinVar variation 1490137 (VCV001490137.9), dbSNP rs2133101720, ClinGen allele CA379964584.